The following is an entry in ClinVar:

NM_181523.3(PIK3R1):c.1300-5_1320del

Gene: PIK3R1 (phosphoinositide-3-kinase regulatory subunit 1; plus strand). Cytogenetic location: 5q13.1.
Variant type: Deletion.
Coding change: c.1300-5_1320del on transcript NM_181523.3 (MANE Select); 5 bases into the intron before coding-DNA position 1300 through coding-DNA position 1320, 26 bases deleted (TCTAGGATCAAGTTGTCAAAGAAGAT).
Molecular consequence: splice acceptor variant.
Genome position (GRCh38, 1-based): chr5:68,293,704-68,293,729, TCTAGGATCAAGTTGTCAAAGAAGAT deleted; deleting any 26 consecutive bases within chr5:68,293,703-68,293,729 gives the same sequence; the c. name uses the placement nearest the transcript's 3' end. VCF-style (leftmost placement, unchanged base first): chr5-68293702-TTTCTAGGATCAAGTTGTCAAAGAAGA-T. GRCh37 (hg19) VCF-style: chr5-67589530-TTTCTAGGATCAAGTTGTCAAAGAAGA-T.
Other names: c.400-5_420del (NM_181524.2); c.490-5_510del (NM_181504.4); c.211-5_231del (NM_001242466.2).
Identifiers: ClinVar variation 1524499 (VCV001524499.6), dbSNP rs2112261986, ClinGen allele CA2573139736.

ClinVar aggregate classification (germline): Likely pathogenic (1 of 4 stars; one submission).

Conditions:
Immunodeficiency 36 with lymphoproliferation. Also called: ACTIVATED PI3K-DELTA SYNDROME 2; Immunodeficiency 36; Activated PI3K Delta Syndrome Type 2 (APDS2). Identifiers: Orphanet 397596, Orphanet 693681, MedGen C4014934, MONDO:0014453, OMIM 616005.
SHORT syndrome. Also called: LIPODYSTROPHY, PARTIAL, WITH RIEGER ANOMALY AND SHORT STATURE; PIK3R1-Related SHORT Syndrome; SHORT STATURE, HYPEREXTENSIBILITY, HERNIA, OCULAR DEPRESSION, RIEGER ANOMALY, AND TEETHING DELAY. Identifiers: Orphanet 3163, MedGen C0878684, MONDO:0010026, OMIM 269880.
Agammaglobulinemia 7, autosomal recessive (AGM7). Also called: AGAMMAGLOBULINEMIA, AUTOSOMAL RECESSIVE, DUE TO PIK3R1 DEFECT. Identifiers: MedGen C3554689, MONDO:0014083, OMIM 615214.

Submission:

Labcorp Genetics (formerly Invitae), Labcorp
Classification: Likely pathogenic for SHORT syndrome; Immunodeficiency 36 with lymphoproliferation; Agammaglobulinemia 7, autosomal recessive. Last evaluated: 2021-08-02. Review status: criteria provided, single submitter. Criteria: Invitae Variant Classification Sherloc (09022015). Collection method: clinical testing. Allele origin: germline.
Comment: Algorithms developed to predict the effect of sequence changes on RNA splicing suggest that this variant may disrupt the consensus splice site. In summary, the currently available evidence indicates that the variant is pathogenic, but additional data are needed to prove that conclusively. Therefore, this variant has been classified as Likely Pathogenic. This variant has not been reported in the literature in individuals affected with PIK3R1-related conditions. This variant results in the deletion of part of exon 11 (c.1300-5_1320del) of the PIK3R1 gene. It is expected to disrupt RNA splicing. Variants that disrupt the donor or acceptor splice site typically lead to a loss of protein function (PMID: 16199547), and loss-of-function variants in PIK3R1 are known to be pathogenic (PMID: 22351933, 25133428). This variant is not present in population databases (ExAC no frequency).

Literature cited by the submitters: PubMed 16199547; PubMed 22351933; PubMed 25133428.